The following is an entry in ClinVar:

ClinVar aggregate classification (germline): Pathogenic/Likely pathogenic. Review status: criteria provided, multiple submitters, no conflicts (2 of 4 stars). 6 submissions from 6 submitters: Pathogenic (1); Likely pathogenic (4). 1 of the submissions does not count toward it. Last evaluated 2024-11-19.

Conditions:
Carnitine deficiency. Identifiers: MedGen C1142132.
Renal carnitine transport defect (CDSP). Also called: Systemic primary carnitine deficiency; Carnitine transporter deficiency; Primary carnitine deficiency; Carnitine Deficiency, Systemic; Systemic primary carnitine deficiency disease; CARNITINE DEFICIENCY, SYSTEMIC, DUE TO DEFECT IN RENAL REABSORPTION OF CARNITINE. Identifiers: Orphanet 158, MedGen C0342788, MONDO:0008919, OMIM 212140.

Allele frequency attached by ClinVar (database versions not stated): TOPMed below 0.00001.

Submissions (6):

Natera, Inc.
Classification: Likely pathogenic for Carnitine deficiency. Last evaluated: 2024-11-19. Review status: criteria provided, single submitter. Criteria: Natera Variant Classification Schema (03/2026). Collection method: clinical testing. Allele origin: germline.
Comment: The c.725G>T variant in SLC22A5 is a missense variant predicted to cause substitution of glycine to valine at amino acid 242. This variant is rare in the general population with a frequency below the threshold expected for the associated phenotype(s). This variant has been observed in one or more individuals affected with the associated recessive disease, as either homozygous or compound heterozygous with a second variant (PMID: 11058897). Functional studies show that this variant may disrupt protein function (PMID: 11058897). Computational prediction algorithms indicate this variant is likely to affect gene or protein function. Given the available evidence, this variant is classified as Likely Pathogenic.

Fulgent Genetics
Classification: Likely pathogenic for Renal carnitine transport defect. Last evaluated: 2024-05-07. Review status: criteria provided, single submitter. Criteria: ACMG Guidelines, 2015. Collection method: clinical testing. Allele origin: germline.

Baylor Genetics
Classification: Likely pathogenic for Renal carnitine transport defect. Last evaluated: 2024-03-01. Review status: criteria provided, single submitter. Criteria: ACMG Guidelines, 2015. Collection method: clinical testing. Allele origin: unknown.

Labcorp Genetics (formerly Invitae), Labcorp
Classification: Pathogenic for Renal carnitine transport defect. Last evaluated: 2023-11-21. Review status: criteria provided, single submitter. Criteria: Invitae Variant Classification Sherloc (09022015). Collection method: clinical testing. Allele origin: germline.
Comment: This sequence change replaces glycine, which is neutral and non-polar, with valine, which is neutral and non-polar, at codon 242 of the SLC22A5 protein (p.Gly242Val). This variant is not present in population databases (gnomAD no frequency). This missense change has been observed in individual(s) with primary carnitine deficiency (PMID: 11058897). ClinVar contains an entry for this variant (Variation ID: 25387). Advanced modeling of protein sequence and biophysical properties (such as structural, functional, and spatial information, amino acid conservation, physicochemical variation, residue mobility, and thermodynamic stability) performed at Invitae indicates that this missense variant is expected to disrupt SLC22A5 protein function with a positive predictive value of 95%. Experimental studies have shown that this missense change affects SLC22A5 function (PMID: 11058897). For these reasons, this variant has been classified as Pathogenic.

Genome-Nilou Lab
Classification: Likely pathogenic for Renal carnitine transport defect. Last evaluated: 2021-07-15. Review status: criteria provided, single submitter. Criteria: ACMG Guidelines, 2015. Collection method: clinical testing. Allele origin: germline. Affected: no.

Counsyl
Classification: Uncertain significance for Renal carnitine transport defect. Last evaluated: 2018-01-11. Review status: no assertion criteria provided. Collection method: clinical testing. Allele origin: unknown. Not counted in ClinVar's aggregate classification.

Literature cited by the submitters: PubMed 11058897 (cited by 3 submitters); PubMed 16652335 (cited by Counsyl); PubMed 28841266 (cited by Counsyl).

NM_003060.4(SLC22A5):c.725G>T (p.Gly242Val)

Gene: SLC22A5 (solute carrier family 22 member 5; plus strand). Cytogenetic location: 5q31.1.
Variant type: single nucleotide variant.
Coding change: c.725G>T on transcript NM_003060.4 (MANE Select); coding-DNA position 725, G replaced by T.
Protein change: p.Gly242Val; replaces glycine 242 with valine.
Molecular consequence: missense variant.
Genome position (GRCh38, 1-based): chr5:132,385,400, G>T. VCF-style: chr5-132385400-G-T. GRCh37 (hg19) VCF-style: chr5-131721092-G-T.
Other names: c.797G>T, p.Gly266Val (NM_001308122.2); short protein forms G266V.
Identifiers: ClinVar variation 25387 (VCV000025387.18), dbSNP rs72552728, ClinGen allele CA342645.
Genomic context (GRCh38, chr5:132,385,400, plus strand): 5'-TTGGCAAGTCAGTTCGTATAATATTCTCTACGTTAGGAGTGTGCATATTTTATGCATTTG[G>T]CTACATGGTGCTGCCACTGTTTGCTTACTTCATCCGAGACTGGCGGATGCTGCTGGTGGC-3'
Protein context (NP_003051.1, residues 232-252): TLGVCIFYAF[Gly242Val]YMVLPLFAYF